The following is an entry in ClinVar:

NM_000501.4(ELN):c.1539del (p.Gly514fs)

Genes: ELN (elastin; plus strand), ELN-AS1 (ELN antisense RNA 1; minus strand). Cytogenetic location: 7q11.23.
Variant type: Deletion.
Coding change: c.1539del on transcript NM_000501.4 (MANE Select); coding-DNA position 1539, one base deleted (T; older notation c.1539delT).
Protein change: p.Gly514fs; shifts the reading frame from glycine 514.
Molecular consequence: frameshift variant.
Genome position (GRCh38, 1-based): chr7:74,060,010, T deleted; the last of 2 consecutive T bases (chr7:74,060,009-74,060,010); deleting either gives the same sequence. VCF-style (leftmost placement, unchanged base first): chr7-74060008-GT-G. GRCh37 (hg19) VCF-style: chr7-73474338-GT-G.
Other names: c.1539del (NM_000501.2); c.1452del, p.Gly485fs (NM_001081752.3); c.1497del, p.Gly500fs (NM_001081753.3); c.1554del, p.Gly519fs (NM_001081754.3); c.1482del, p.Gly495fs (NM_001081755.3); c.1539del, p.Gly514fs (NM_001278912.2); c.1296del, p.Gly433fs (NM_001278913.2); c.1467del, p.Gly490fs (NM_001278914.2); and 5 more; short protein forms G425fs, G485fs, G433fs, G495fs, G500fs, G504fs, G514fs, G519fs.
Identifiers: ClinVar variation 2008904 (VCV002008904.5), dbSNP rs2486283813, ClinGen allele CA2580077346.
Genomic context (GRCh38, chr7:74,060,008, plus strand): 5'-CCTGGAGTTGGCTTGGCTCCTGGAGTTGGCGTGGCTCCTGGAGTTGGTGTGGCTCCTGGC[GT>G]TGGCGTGGCTCCCGGCATTGGCCCTGGTGGAGTTGCAGGTGAGTTTCATGAGTCAATGAG-3'

ClinVar aggregate classification (germline): Pathogenic/Likely pathogenic. Review status: criteria provided, multiple submitters, no conflicts (2 of 4 stars). 2 submissions from 2 submitters: Pathogenic (1); Likely pathogenic (1). Last evaluated 2023-11-24.

Conditions:
Supravalvar aortic stenosis (SVAS). Also called: Supravalvar aortic stenosis, Eisenberg type. Identifiers: Orphanet 3193, MedGen C0003499, MONDO:0008504, OMIM 185500, HP:0004381.

Submissions (2):

Labcorp Genetics (formerly Invitae), Labcorp
Classification: Pathogenic for Supravalvar aortic stenosis. Last evaluated: 2023-11-24. Review status: criteria provided, single submitter. Criteria: Invitae Variant Classification Sherloc (09022015). Collection method: clinical testing. Allele origin: germline.
Comment: This sequence change creates a premature translational stop signal (p.Gly543Alafs*132) in the ELN gene. It is expected to result in an absent or disrupted protein product. Loss-of-function variants in ELN are known to be pathogenic (PMID: 11175284). This variant is not present in population databases (gnomAD no frequency). This variant has not been reported in the literature in individuals affected with ELN-related conditions. ClinVar contains an entry for this variant (Variation ID: 2008904). For these reasons, this variant has been classified as Pathogenic.

GeneDx
Classification: Likely pathogenic. Last evaluated: 2023-09-08. Review status: criteria provided, single submitter. Criteria: GeneDx Variant Classification Process June 2021. Collection method: clinical testing. Allele origin: germline. Affected: yes.
Comment: Has not been previously published as pathogenic or benign to our knowledge; Not observed at significant frequency in large population cohorts (gnomAD); Frameshift variant predicted to result in protein truncation or nonsense mediated decay in a gene for which loss of function is a known mechanism of disease

Literature cited by the submitters: PubMed 11175284 (cited by Labcorp Genetics (formerly Invitae), Labcorp).